The following is an entry in ClinVar:

NM_004360.5(CDH1):c.480C>T (p.Pro160=)

Gene: CDH1 (cadherin 1; plus strand). Cytogenetic location: 16q22.1.
Variant type: single nucleotide variant.
Coding change: c.480C>T on transcript NM_004360.5 (MANE Select); coding-DNA position 480, C replaced by T.
Protein change: p.Pro160=; no amino-acid change (proline 160 retained).
Molecular consequence: synonymous variant. On other transcripts: 5 prime UTR variant (2).
Genome position (GRCh38, 1-based): chr16:68,808,516, C>T. VCF-style: chr16-68808516-C-T. GRCh37 (hg19) VCF-style: chr16-68842419-C-T.
Other names: c.480C>T, p.Pro160= (NM_001317184.2); c.-1136C>T (NM_001317185.2); c.-1340C>T (NM_001317186.2); c.480C>T (LRG_301t1).
Identifiers: ClinVar variation 234064 (VCV000234064.16), dbSNP rs769371658, ClinGen allele CA8129867.

ClinVar aggregate classification (germline): Benign/Likely benign. Review status: criteria provided, multiple submitters, no conflicts (2 of 4 stars). 4 submissions from 4 submitters: Benign (1); Likely benign (3). Last evaluated 2025-12-22.

Conditions:
Hereditary cancer-predisposing syndrome. Also called: Tumor predisposition; Hereditary Cancer Syndrome; Hereditary neoplastic syndrome; Neoplastic Syndromes, Hereditary. Identifiers: Orphanet 140162, MedGen C0027672, MeSH D009386, MONDO:0015356.
Hereditary diffuse gastric adenocarcinoma (HDGC). Also called: DIFFUSE GASTRIC AND LOBULAR BREAST CANCER SYNDROME. Identifiers: Orphanet 26106, MedGen C1708349, MONDO:0007648, OMIM 137215.

Allele frequency attached by ClinVar (database versions not stated): gnomAD exomes below 0.00001; TOPMed below 0.00001; ExAC 0.00001.
gnomAD v4.1: 4 of 1,614,152 alleles (0.00025%); highest among the groups gnomAD compares: South Asian, 0.0044%; no homozygotes.

Submissions (4):

Labcorp Genetics (formerly Invitae), Labcorp
Classification: Likely benign for Hereditary diffuse gastric adenocarcinoma. Last evaluated: 2025-12-22. Review status: criteria provided, single submitter. Criteria: Invitae Variant Classification Sherloc (09022015). Collection method: clinical testing. Allele origin: germline.

Myriad Genetics, Inc.
Classification: Benign for Hereditary diffuse gastric adenocarcinoma. Last evaluated: 2024-09-13. Review status: criteria provided, single submitter. Criteria: Myriad Autosomal Dominant, Autosomal Recessive and X-Linked Classification Criteria (2023). Collection method: clinical testing. Allele origin: unknown.
Comment: This variant is considered benign. This variant is a silent/synonymous amino acid change and it is not expected to impact splicing.

Color Diagnostics, LLC DBA Color Health
Classification: Likely benign for Hereditary cancer-predisposing syndrome. Last evaluated: 2021-04-19. Review status: criteria provided, single submitter. Criteria: ACMG Guidelines, 2015. Collection method: clinical testing. Allele origin: germline.

Ambry Genetics
Classification: Likely benign for Hereditary cancer-predisposing syndrome. Last evaluated: 2015-09-25. Review status: criteria provided, single submitter. Criteria: Ambry Variant Classification Scheme 2023. Collection method: clinical testing. Allele origin: germline.